The following is an entry in ClinVar:

NM_000551.4(VHL):c.27C>G (p.Asp9Glu)

Gene: VHL (von Hippel-Lindau tumor suppressor; plus strand). Cytogenetic location: 3p25.3.
Variant type: single nucleotide variant.
Coding change: c.27C>G on transcript NM_000551.4 (MANE Select); coding-DNA position 27, C replaced by G.
Protein change: p.Asp9Glu; replaces aspartic acid 9 with glutamic acid.
Molecular consequence: missense variant.
Genome position (GRCh38, 1-based): chr3:10,141,874, C>G. VCF-style: chr3-10141874-C-G. GRCh37 (hg19) VCF-style: chr3-10183558-C-G.
Other names: c.27C>G, p.Asp9Glu (NM_001354723.2, NM_198156.3); short protein forms D9E.
Identifiers: ClinVar variation 846969 (VCV000846969.11), dbSNP rs1017141110, ClinGen allele CA351747082.

ClinVar aggregate classification (germline): Conflicting classifications of pathogenicity. Review status: criteria provided, conflicting classifications (1 of 4 stars). 2 submissions from 2 submitters: Uncertain significance (1); Likely benign (1). Last evaluated 2026-01-18.

Conditions:
Hereditary cancer-predisposing syndrome. Also called: Neoplastic Syndromes, Hereditary; Hereditary neoplastic syndrome; Tumor predisposition; Hereditary Cancer Syndrome. Identifiers: Orphanet 140162, MedGen C0027672, MeSH D009386, MONDO:0015356.
Chuvash polycythemia. Also called: POLYCYTHEMIA, VHL-DEPENDENT. Identifiers: Orphanet 238557, MedGen C1837915, MONDO:0009892, OMIM 263400.
Von Hippel-Lindau syndrome (VHLS). Also called: Von Hippel-Lindau; VHL syndrome; von Hippel–Lindau syndrome. Identifiers: Orphanet 892, MedGen C0019562, MONDO:0008667, OMIM 193300. Disease mechanism: loss of function.

gnomAD v4.1: 1 of 1,533,966 alleles (0.000065%); highest among the groups gnomAD compares: Admixed American, 0.002%; no homozygotes.

Submissions (2):

Labcorp Genetics (formerly Invitae), Labcorp
Classification: Uncertain significance for Von Hippel-Lindau syndrome; Chuvash polycythemia. Last evaluated: 2026-01-18. Review status: criteria provided, single submitter. Criteria: Invitae Variant Classification Sherloc (09022015). Collection method: clinical testing. Allele origin: germline.
Comment: This sequence change replaces aspartic acid, which is acidic and polar, with glutamic acid, which is acidic and polar, at codon 9 of the VHL protein (p.Asp9Glu). This variant is not present in population databases (gnomAD no frequency). This variant has not been reported in the literature in individuals affected with VHL-related conditions. ClinVar contains an entry for this variant (Variation ID: 846969). Invitae Evidence Modeling of protein sequence and biophysical properties (such as structural, functional, and spatial information, amino acid conservation, physicochemical variation, residue mobility, and thermodynamic stability) indicates that this missense variant is not expected to disrupt VHL protein function with a negative predictive value of 95%. In summary, the available evidence is currently insufficient to determine the role of this variant in disease. Therefore, it has been classified as a Variant of Uncertain Significance.

Ambry Genetics
Classification: Likely benign for Hereditary cancer-predisposing syndrome. Last evaluated: 2025-06-23. Review status: criteria provided, single submitter. Criteria: Ambry Variant Classification Scheme 2023. Collection method: clinical testing. Allele origin: germline.